The following is an entry in ClinVar:

NM_000392.5(ABCC2):c.2883+11C>T

Genes: ABCC2 (ATP binding cassette subfamily C member 2; plus strand), LOC126861012 (BRD4-independent group 4 enhancer GRCh37_chr10:101589748-101590947; plus strand). Cytogenetic location: 10q24.2.
Variant type: single nucleotide variant.
Coding change: c.2883+11C>T on transcript NM_000392.5 (MANE Select); 11 bases into the intron after coding-DNA position 2883, C replaced by T.
Molecular consequence: intron variant.
Genome position (GRCh38, 1-based): chr10:99,830,862, C>T. VCF-style: chr10-99830862-C-T. GRCh37 (hg19) VCF-style: chr10-101590619-C-T.
Other names: p.?; c.2883+11C>T (LRG_1208t1).
Identifiers: ClinVar variation 298460 (VCV000298460.14), dbSNP rs41318031, ClinGen allele CA5643626.

ClinVar aggregate classification (germline): Benign. Review status: criteria provided, multiple submitters, no conflicts (2 of 4 stars). 4 submissions from 4 submitters: Benign (4). Last evaluated 2026-02-04.

Conditions:
Dubin-Johnson syndrome (DJS). Also called: HYPERBILIRUBINEMIA, DUBIN-JOHNSON TYPE; Jaundice, Chronic Idiopathic; Hyperbilirubinemia type 2. Identifiers: Orphanet 234, MedGen C0022350, MONDO:0009380, OMIM 237500.

Allele frequency attached by ClinVar (database versions not stated): 1000 Genomes Project 30x 0.03123; 1000 Genomes Project 0.03135; ExAC 0.03569; gnomAD exomes 0.03785 and 0.04560; gnomAD 0.04424 and 0.04549; TOPMed 0.04879; ESP Exome Variant Server 0.05044.
gnomAD v4.1: 73,734 of 1,613,504 alleles (4.6%); highest among the groups gnomAD compares: Middle Eastern, 12%; 1,978 homozygotes.

Submissions (4):

Labcorp Genetics (formerly Invitae), Labcorp
Classification: Benign. Last evaluated: 2026-02-04. Review status: criteria provided, single submitter. Criteria: Invitae Variant Classification Sherloc (09022015). Collection method: clinical testing. Allele origin: germline.

Mayo Clinic Laboratories, Mayo Clinic
Classification: Benign. Last evaluated: 2022-04-08. Review status: criteria provided, single submitter. Criteria: ACMG Guidelines, 2015. Collection method: clinical testing. Allele origin: germline. Observed: 42 variant alleles.

Illumina Laboratory Services, Illumina
Classification: Benign for Dubin-Johnson syndrome. Last evaluated: 2018-01-13. Review status: criteria provided, single submitter. Criteria: ICSL Variant Classification Criteria 13 December 2019. Collection method: clinical testing. Allele origin: germline.
Comment: This variant was observed in the ICSL laboratory as part of a predisposition screen in an ostensibly healthy population. It had not been previously curated by ICSL or reported in the Human Gene Mutation Database (HGMD: prior to June 1st, 2018), and was therefore a candidate for classification through an automated scoring system. Utilizing variant allele frequency, disease prevalence and penetrance estimates, and inheritance mode, an automated score was calculated to assess if this variant is too frequent to cause the disease. Based on the score and internal cut-off values, a variant classified as benign is not then subjected to further curation. The score for this variant resulted in a classification of benign for this disease.

Breakthrough Genomics
Classification: Benign. Review status: criteria provided, single submitter. Criteria: ACMG Guidelines, 2015. Collection method: not provided. Allele origin: germline. Inheritance: Autosomal recessive inheritance. Affected: yes.